The following is an entry in ClinVar:

NM_001369.3(DNAH5):c.9611del (p.Asn3204fs)

Gene: DNAH5 (dynein axonemal heavy chain 5; minus strand). Cytogenetic location: 5p15.2.
Variant type: Deletion.
Coding change: c.9611del on transcript NM_001369.3 (MANE Select); coding-DNA position 9611, one base deleted (A; older notation c.9611delA).
Protein change: p.Asn3204fs; shifts the reading frame from asparagine 3204.
Molecular consequence: frameshift variant.
Genome position (GRCh38, 1-based): chr5:13,769,610, T deleted on the plus strand (A on the coding strand, the reverse complement: DNAH5 is on the minus strand); the first of 2 consecutive T bases (chr5:13,769,610-13,769,611); deleting either gives the same sequence. VCF-style (leftmost placement, unchanged base first): chr5-13769609-AT-A. GRCh37 (hg19) VCF-style: chr5-13769718-AT-A.
Other names: short protein forms N3204fs.
Identifiers: ClinVar variation 5015950 (VCV005015950.1).

ClinVar aggregate classification (germline): Pathogenic (1 of 4 stars; one submission).

Conditions:
Primary ciliary dyskinesia 3. Identifiers: Orphanet 244, MedGen C1837618, MONDO:0012085, OMIM 608644.

Submission:

Myriad Genetics, Inc.
Classification: Pathogenic for Primary ciliary dyskinesia 3. Last evaluated: 2026-05-24. Review status: criteria provided, single submitter. Criteria: Myriad Autosomal Dominant, Autosomal Recessive and X-Linked Classification Criteria (2023). Collection method: clinical testing. Allele origin: unknown.
Comment: NM_001369.2(DNAH5):c.9611delA(N3204Ifs*17) is expected to be pathogenic in the context of primary ciliary dyskinesia, DNAH5-related. This variant is predicted to lead to an abnormal or absent protein product due to the creation of a premature termination codon in DNAH5, a gene where loss-of-function variants are known to be pathogenic. Please note: this variant was assessed in the context of healthy population screening.